The following is an entry in ClinVar:

NM_002294.3(LAMP2):c.*2524T>C

Gene: LAMP2 (lysosome associated membrane protein 2; minus strand). Cytogenetic location: Xq24.
Variant type: single nucleotide variant.
Coding change: c.*2524T>C on transcript NM_002294.3 (MANE Select); 2524 bases downstream of the stop codon, T replaced by C.
Molecular consequence: 3 prime UTR variant. On other transcripts: intron variant (1).
Genome position (GRCh38, 1-based): chrX:120,428,799, A>G on the plus strand (T>C on the coding strand, the complement: LAMP2 is on the minus strand). VCF-style: chrX-120428799-A-G. GRCh37 (hg19) VCF-style: chrX-119562654-A-G.
Other names: c.1094-173T>C (NM_001122606.1).
Identifiers: ClinVar variation 367755 (VCV000367755.7), dbSNP rs150119198, ClinGen allele CA10653745.

ClinVar aggregate classification (germline): Benign. Review status: criteria provided, multiple submitters, no conflicts (2 of 4 stars). 3 submissions from 3 submitters: Benign (3). Last evaluated 2019-11-15.

Conditions:
Danon disease. Also called: Glycogen Storage Disease Type IIb; ANTOPOL DISEASE; PSEUDOGLYCOGENOSIS II; GSD IIb; LYSOSOMAL GLYCOGEN STORAGE DISEASE WITHOUT ACID MALTASE DEFICIENCY. Identifiers: Orphanet 34587, MedGen C0878677, MONDO:0010281, OMIM 300257.

Allele frequency attached by ClinVar (database versions not stated): 1000 Genomes Project 0.00901; 1000 Genomes Project 30x 0.00957; TOPMed 0.01466; gnomAD 0.01768 and 0.01799; gnomAD exomes 0.01784.
gnomAD v4.1: 13,316 of 750,506 alleles (1.8%); highest among the groups gnomAD compares: Middle Eastern, 2.4%; 99 homozygotes.

Submissions (3):

Blueprint Genetics
Classification: Benign. Last evaluated: 2019-11-15. Review status: criteria provided, single submitter. Criteria: ACMG Guidelines, 2015. Collection method: clinical testing. Allele origin: germline.

GeneDx
Classification: Benign. Last evaluated: 2018-06-14. Review status: criteria provided, single submitter. Criteria: GeneDx Variant Classification Process June 2021. Collection method: clinical testing. Allele origin: germline. Affected: yes.

Illumina Laboratory Services, Illumina
Classification: Benign for Danon disease. Last evaluated: 2018-01-12. Review status: criteria provided, single submitter. Criteria: ICSL Variant Classification Criteria 13 December 2019. Collection method: clinical testing. Allele origin: germline.
Comment: This variant was observed in the ICSL laboratory as part of a predisposition screen in an ostensibly healthy population. It had not been previously curated by ICSL or reported in the Human Gene Mutation Database (HGMD: prior to June 1st, 2018), and was therefore a candidate for classification through an automated scoring system. Utilizing variant allele frequency, disease prevalence and penetrance estimates, and inheritance mode, an automated score was calculated to assess if this variant is too frequent to cause the disease. Based on the score and internal cut-off values, a variant classified as benign is not then subjected to further curation. The score for this variant resulted in a classification of benign for this disease.